The following is an entry in ClinVar:

ClinVar aggregate classification (germline): Uncertain significance (1 of 4 stars; one submission).

Conditions:
Autosomal dominant nonsyndromic hearing loss 11. Identifiers: Orphanet 90635, MedGen C1832475, MONDO:0011032, OMIM 601317.

gnomAD v4.1: 1 of 1,613,992 alleles (0.000062%); no homozygotes.

Submission:

MVZ Medizinische Genetik Mainz
Classification: Uncertain significance for Autosomal dominant nonsyndromic hearing loss 11. Last evaluated: 2023-08-28. Review status: criteria provided, single submitter. Criteria: UK Practice Guidelines For Variant Classification V4 01 2020. Collection method: clinical testing. Allele origin: germline. Inheritance: Autosomal dominant inheritance. Affected: yes. Observed: 1 variant allele.
Comment: ACMG Criteria: PM5,PM2_SUP,PP3

NM_000260.4(MYO7A):c.616C>G (p.Arg206Gly)

Gene: MYO7A (myosin VIIA; plus strand). Cytogenetic location: 11q13.5.
Variant type: single nucleotide variant.
Coding change: c.616C>G on transcript NM_000260.4 (MANE Select); coding-DNA position 616, C replaced by G.
Protein change: p.Arg206Gly; replaces arginine 206 with glycine.
Molecular consequence: missense variant.
Genome position (GRCh38, 1-based): chr11:77,156,885, C>G. VCF-style: chr11-77156885-C-G. GRCh37 (hg19) VCF-style: chr11-76867931-C-G.
Other names: c.616C>G, p.Arg206Gly (NM_001127180.2); c.583C>G, p.Arg195Gly (NM_001369365.1); short protein forms R195G, R206G.
Identifiers: ClinVar variation 3236760 (VCV003236760.1), dbSNP rs782361954.